The following is an entry in ClinVar:

NM_000169.3(GLA):c.886A>C (p.Met296Leu)

Genes: GLA (galactosidase alpha; minus strand), RPL36A-HNRNPH2 (RPL36A-HNRNPH2 readthrough; plus strand). Cytogenetic location: Xq22.1.
Variant type: single nucleotide variant.
Coding change: c.886A>C on transcript NM_000169.3 (MANE Select); coding-DNA position 886, A replaced by C.
Protein change: p.Met296Leu; replaces methionine 296 with leucine.
Molecular consequence: missense variant. On other transcripts: non-coding transcript variant (3), intron variant (2).
Genome position (GRCh38, 1-based): chrX:101,398,483, T>G on the plus strand (A>C on the coding strand, the complement: GLA is on the minus strand). VCF-style: chrX-101398483-T-G. GRCh37 (hg19) VCF-style: chrX-100653471-T-G.
Other names: c.1009A>C, p.Met337Leu (NM_001406747.1); c.886A>C, p.Met296Leu (NM_001406748.1); c.300+3026T>G (NM_001199973.2); c.177+6661T>G (NM_001199974.2); short protein forms M296L, M337L.
Identifiers: ClinVar variation 4974827 (VCV004974827.1).

ClinVar aggregate classification (germline): Likely pathogenic (1 of 4 stars; one submission).

Conditions:
Fabry disease. Also called: Fabry's disease; ALPHA-GALACTOSIDASE A DEFICIENCY; ANDERSON-FABRY DISEASE; CERAMIDE TRIHEXOSIDASE DEFICIENCY; GLA DEFICIENCY; HEREDITARY DYSTOPIC LIPIDOSIS. Identifiers: Orphanet 324, MedGen C0002986, MONDO:0010526, OMIM 301500, HP:0001071. Disease mechanism: Fabry disease is due to inactivating mutations in the X-linked GLA gene resulting in deficiency of the enzyme Alpha Galactosidase-A., loss of function.

Submission:

Genomenon, Inc
Classification: Likely pathogenic for Fabry disease. Last evaluated: 2026-09-08. Review status: criteria provided, single submitter. Criteria: Genomenon Sequence Variant Interpretation Standards - Updated. Collection method: curation. Allele origin: germline. Affected: no.
Comment: GLA p.Met296Leu (c.886A>C) is a missense variant that changes the amino acid at codon 296 from Methionine to Leucine. To our knowledge, this variant has not been reported in patients affected with Fabry disease in the published literature. At least one functional study has demonstrated a substantial alteration in protein function relative to the wild-type (PMID:28615118). It is absent or not present at a significant frequency in gnomAD. In silico models predict that this variant is possibly or probably damaging. In conclusion, we classify GLA p.Met296Leu (c.886A>C) as a likely pathogenic variant.

Literature cited by the submitters: PubMed 28615118.